The following is an entry in ClinVar:

ClinVar aggregate classification (germline): Uncertain significance (1 of 4 stars; one submission).

Conditions:
ALG9 congenital disorder of glycosylation (CDG1L). Also called: CDG Il; CONGENITAL DISORDER OF GLYCOSYLATION, TYPE Il; ALG9-CDG. Identifiers: Orphanet 79328, MedGen C2931006, MONDO:0012117, OMIM 608776.

Submission:

Labcorp Genetics (formerly Invitae), Labcorp
Classification: Uncertain significance for ALG9 congenital disorder of glycosylation. Last evaluated: 2024-11-05. Review status: criteria provided, single submitter. Criteria: Invitae Variant Classification Sherloc (09022015). Collection method: clinical testing. Allele origin: germline.
Comment: This sequence change replaces serine, which is neutral and polar, with leucine, which is neutral and non-polar, at codon 846 of the ATP6V0A2 protein (p.Ser846Leu). This variant is not present in population databases (gnomAD no frequency). This variant has not been reported in the literature in individuals affected with ATP6V0A2-related conditions. An algorithm developed to predict the effect of missense changes on protein structure and function (PolyPhen-2) suggests that this variant is likely to be tolerated. In summary, the available evidence is currently insufficient to determine the role of this variant in disease. Therefore, it has been classified as a Variant of Uncertain Significance.

NM_012463.4(ATP6V0A2):c.2537C>T (p.Ser846Leu)

Gene: ATP6V0A2 (ATPase H+ transporting V0 subunit a2; plus strand). Cytogenetic location: 12q24.31.
Variant type: single nucleotide variant.
Coding change: c.2537C>T on transcript NM_012463.4 (MANE Select); coding-DNA position 2537, C replaced by T.
Protein change: p.Ser846Leu; replaces serine 846 with leucine.
Molecular consequence: missense variant.
Genome position (GRCh38, 1-based): chr12:123,757,998, C>T. VCF-style: chr12-123757998-C-T. GRCh37 (hg19) VCF-style: chr12-124242545-C-T.
Other names: short protein forms S846L.
Identifiers: ClinVar variation 3633271 (VCV003633271.2).